The following is an entry in ClinVar:

ClinVar aggregate classification (germline): Conflicting classifications of pathogenicity. Review status: criteria provided, conflicting classifications (1 of 4 stars). 2 submissions from 2 submitters: Uncertain significance (1); Likely benign (1). Last evaluated 2025-08-05.

Conditions:
Inborn genetic diseases. Identifiers: MedGen C0950123, MeSH D030342.

Submissions (2):

Ambry Genetics
Classification: Likely benign for Inborn genetic diseases. Last evaluated: 2025-08-05. Review status: criteria provided, single submitter. Criteria: Ambry Variant Classification Scheme 2023. Collection method: clinical testing. Allele origin: germline.

Labcorp Genetics (formerly Invitae), Labcorp
Classification: Uncertain significance. Last evaluated: 2025-04-22. Review status: criteria provided, single submitter. Criteria: Invitae Variant Classification Sherloc (09022015). Collection method: clinical testing. Allele origin: germline.
Comment: This sequence change replaces aspartic acid, which is acidic and polar, with glutamic acid, which is acidic and polar, at codon 526 of the REST protein (p.Asp526Glu). This variant is not present in population databases (gnomAD no frequency). This variant has not been reported in the literature in individuals affected with REST-related conditions. An algorithm developed to predict the effect of missense changes on protein structure and function outputs the following: PolyPhen-2: "Benign". The glutamic acid amino acid residue is found in multiple mammalian species, which suggests that this missense change does not adversely affect protein function. In summary, the available evidence is currently insufficient to determine the role of this variant in disease. Therefore, it has been classified as a Variant of Uncertain Significance.

NM_005612.5(REST):c.1578C>A (p.Asp526Glu)

Gene: REST (RE1 silencing transcription factor; plus strand). Cytogenetic location: 4q12.
Variant type: single nucleotide variant.
Coding change: c.1578C>A on transcript NM_005612.5 (MANE Select); coding-DNA position 1578, C replaced by A.
Protein change: p.Asp526Glu; replaces aspartic acid 526 with glutamic acid.
Molecular consequence: missense variant.
Genome position (GRCh38, 1-based): chr4:56,930,436, C>A. VCF-style: chr4-56930436-C-A. GRCh37 (hg19) VCF-style: chr4-57796602-C-A.
Other names: c.1578C>A, p.Asp526Glu (NM_001193508.2, NM_001363453.3); c.1494C>A, p.Asp498Glu (NM_001440532.1, NM_001440533.1); short protein forms D526E, D498E.
Identifiers: ClinVar variation 4152762 (VCV004152762.2).